The following is an entry in ClinVar:

NM_018406.7(MUC4):c.6965C>T (p.Pro2322Leu)

Gene: MUC4 (mucin 4, cell surface associated). Cytogenetic location: 3q29.
Variant type: single nucleotide variant.
Coding change: c.6965C>T on transcript NM_018406.7 (MANE Select); coding-DNA position 6965, C replaced by T.
Protein change: p.Pro2322Leu; replaces proline 2322 with leucine.
Molecular consequence: missense variant. On other transcripts: genic upstream transcript variant (2).
Genome position (GRCh38, 1-based): chr3:195,784,615, G>A on the plus strand (C>T on the coding strand, the complement: MUC4 is on the minus strand). VCF-style: chr3-195784615-G-A. GRCh37 (hg19) VCF-style: chr3-195511486-G-A.
Other names: c.10148C>T, p.Pro3383Leu (NM_001322468.1); c.83-10310C>T (NM_138297.5); c.83-6160C>T (NM_004532.6); short protein forms P2322L, P3383L.
Identifiers: ClinVar variation 2672977 (VCV002672977.23), dbSNP rs202186297, ClinGen allele CA2772665.
Genomic context (GRCh38, chr3:195,784,615, plus strand): 5'-GGGCTAGTGACAGGAAGAGGCGTGGTGTCACCTGTGGATGCTGAGGAAAGGCTGGTGACA[G>A]GAAGAGGGGTGGCGTGACCTGTGGATGCTGAGGAAGCGTCGGTGACATGAAGAGGGGTGG-3'
Protein context (NP_060876.5, residues 2312-2332): SASTGHATPL[Pro2322Leu]VTSLSSASTG

ClinVar aggregate classification (germline): Likely benign (1 of 4 stars; one submission).

Allele frequency attached by ClinVar (database versions not stated): 1000 Genomes Project 0.00280.
gnomAD v4.1: 214 of 1,321,294 alleles (0.016%); highest among the groups gnomAD compares: African/African-American, 0.47%; 15 homozygotes.

Submission:

CeGaT Center for Human Genetics Tuebingen
Classification: Likely benign. Last evaluated: 2023-11-01. Review status: criteria provided, single submitter. Criteria: CeGaT Center For Human Genetics Tuebingen Variant Classification Criteria Version 2. Collection method: clinical testing. Allele origin: germline. Affected: yes. Observed: 1 variant allele.
Comment: MUC4: BS2